The following is an entry in ClinVar:

NM_018406.7(MUC4):c.10881A>C (p.Thr3627=)

Gene: MUC4 (mucin 4, cell surface associated). Cytogenetic location: 3q29.
Variant type: single nucleotide variant.
Coding change: c.10881A>C on transcript NM_018406.7 (MANE Select); coding-DNA position 10881, A replaced by C.
Protein change: p.Thr3627=; no amino-acid change (threonine 3627 retained).
Molecular consequence: synonymous variant. On other transcripts: intron variant (2).
Genome position (GRCh38, 1-based): chr3:195,780,699, T>G on the plus strand (A>C on the coding strand, the complement: MUC4 is on the minus strand). VCF-style: chr3-195780699-T-G. GRCh37 (hg19) VCF-style: chr3-195507570-T-G.
Other names: c.83-6394A>C (NM_138297.5); c.83-2244A>C (NM_004532.6).
Identifiers: ClinVar variation 4872895 (VCV004872895.2).

ClinVar aggregate classification (germline): Likely benign (1 of 4 stars; one submission).

Submission:

CeGaT Center for Human Genetics Tuebingen
Classification: Likely benign. Last evaluated: 2026-04-01. Review status: criteria provided, single submitter. Criteria: CeGaT Center For Human Genetics Tuebingen Variant Classification Criteria Version 2. Collection method: clinical testing. Allele origin: germline. Affected: yes. Observed: 1 variant allele.
Comment: MUC4: BP4, BP7